The following is an entry in ClinVar:

NM_020778.5(ALPK3):c.2651G>A (p.Cys884Tyr)

Gene: ALPK3 (alpha kinase 3; plus strand). Cytogenetic location: 15q25.3.
Variant type: single nucleotide variant.
Coding change: c.2651G>A on transcript NM_020778.5 (MANE Select); coding-DNA position 2651, G replaced by A.
Protein change: p.Cys884Tyr; replaces cysteine 884 with tyrosine.
Molecular consequence: missense variant.
Genome position (GRCh38, 1-based): chr15:84,857,389, G>A. VCF-style: chr15-84857389-G-A. GRCh37 (hg19) VCF-style: chr15-85400620-G-A.
Other names: short protein forms C884Y.
Identifiers: ClinVar variation 1952439 (VCV001952439.5), dbSNP rs369776342, ClinGen allele CA273624574.

ClinVar aggregate classification (germline): Uncertain significance (1 of 4 stars; one submission).

Allele frequency attached by ClinVar (database versions not stated): gnomAD exomes below 0.00001; gnomAD 0.00001; TOPMed 0.00002; ESP Exome Variant Server 0.00008.
gnomAD v4.1: 2 of 1,614,006 alleles (0.00012%); highest among the groups gnomAD compares: Admixed American, 0.0017%; no homozygotes.

Submission:

Labcorp Genetics (formerly Invitae), Labcorp
Classification: Uncertain significance. Last evaluated: 2022-05-14. Review status: criteria provided, single submitter. Criteria: Invitae Variant Classification Sherloc (09022015). Collection method: clinical testing. Allele origin: germline.
Comment: This sequence change replaces cysteine, which is neutral and slightly polar, with tyrosine, which is neutral and polar, at codon 1086 of the ALPK3 protein (p.Cys1086Tyr). This variant is not present in population databases (gnomAD no frequency). This variant has not been reported in the literature in individuals affected with ALPK3-related conditions. Algorithms developed to predict the effect of missense changes on protein structure and function are either unavailable or do not agree on the potential impact of this missense change (SIFT: "Deleterious"; PolyPhen-2: "Benign"; Align-GVGD: "Class C0"). In summary, the available evidence is currently insufficient to determine the role of this variant in disease. Therefore, it has been classified as a Variant of Uncertain Significance.